The following is an entry in ClinVar:

ClinVar aggregate classification (germline): Uncertain significance (1 of 4 stars; one submission).

Conditions:
Ehlers-Danlos syndrome, type 4 (EDSVASC). Also called: Ehlers-Danlos syndrome vascular type; Ehlers Danlos syndrome, ecchymotic type; Ehlers Danlos syndrome, arterial type; Ehlers Danlos syndrome, Sack-Barabas type; Ehlers-Danlos Syndrome Type IV. Identifiers: Orphanet 286, MedGen C0268338, MONDO:0017314, OMIM 130050.

Submission:

Labcorp Genetics (formerly Invitae), Labcorp
Classification: Uncertain significance for Ehlers-Danlos syndrome, type 4. Last evaluated: 2026-01-19. Review status: criteria provided, single submitter. Criteria: Invitae Variant Classification Sherloc (09022015). Collection method: clinical testing. Allele origin: germline.
Comment: This sequence change replaces proline, which is neutral and non-polar, with arginine, which is basic and polar, at codon 583 of the COL3A1 protein (p.Pro583Arg). This variant is not present in population databases (gnomAD no frequency). This variant has not been reported in the literature in individuals affected with COL3A1-related conditions. ClinVar contains an entry for this variant (Variation ID: 3634095). Invitae Evidence Modeling of protein sequence and biophysical properties (such as structural, functional, and spatial information, amino acid conservation, physicochemical variation, residue mobility, and thermodynamic stability) has been performed for this missense variant. However, the output from this modeling did not meet the statistical confidence thresholds required to predict the impact of this variant on COL3A1 protein function. In summary, the available evidence is currently insufficient to determine the role of this variant in disease. Therefore, it has been classified as a Variant of Uncertain Significance.

NM_000090.4(COL3A1):c.1748C>G (p.Pro583Arg)

Gene: COL3A1 (collagen type III alpha 1 chain; plus strand). Cytogenetic location: 2q32.2.
Variant type: single nucleotide variant.
Coding change: c.1748C>G on transcript NM_000090.4 (MANE Select); coding-DNA position 1748, C replaced by G.
Protein change: p.Pro583Arg; replaces proline 583 with arginine.
Molecular consequence: missense variant.
Genome position (GRCh38, 1-based): chr2:188,996,483, C>G. VCF-style: chr2-188996483-C-G. GRCh37 (hg19) VCF-style: chr2-189861209-C-G.
Other names: short protein forms P583R.
Identifiers: ClinVar variation 3634095 (VCV003634095.2).